The following is an entry in ClinVar:

NM_017514.5(PLXNA3):c.1427A>G (p.Tyr476Cys)

Gene: PLXNA3 (plexin A3; plus strand). Cytogenetic location: Xq28.
Variant type: single nucleotide variant.
Coding change: c.1427A>G on transcript NM_017514.5 (MANE Select); coding-DNA position 1427, A replaced by G.
Protein change: p.Tyr476Cys; replaces tyrosine 476 with cysteine.
Molecular consequence: missense variant.
Genome position (GRCh38, 1-based): chrX:154,463,500, A>G. VCF-style: chrX-154463500-A-G. GRCh37 (hg19) VCF-style: chrX-153691843-A-G.
Other names: short protein forms Y476C.
Identifiers: ClinVar variation 4983466 (VCV004983466.1).
Genomic context (GRCh38, chrX:154,463,500, plus strand): 5'-TGGTGGATGGCAGCCCCATCCTCCGAGACCTGCTCTTCAGCCCGGACCACCGGCACATCT[A>G]TCTCCTGAGTGAGAAGCAGGTGGGCCTGTGGTGGGTGGCGGTGGGTGGTGGGGCGGGGGT-3'
Protein context (NP_059984.3, residues 466-486): LLFSPDHRHI[Tyr476Cys]LLSEKQVSQL

ClinVar aggregate classification (germline): Uncertain significance (1 of 4 stars; one submission).

Conditions:
PLXNA3-related disorder. Also called: PLXNA3-related condition.

Submission:

PreventionGenetics, part of Exact Sciences
Classification: Uncertain significance for PLXNA3-related condition. Last evaluated: 2025-07-15. Review status: criteria provided, single submitter. Criteria: ACMG Guidelines, 2015. Collection method: clinical testing. Allele origin: germline.
Comment: The PLXNA3 c.1427A>G variant is predicted to result in the amino acid substitution p.Tyr476Cys. To our knowledge, this variant has not been reported in the literature or in a large population database (gnomAD), indicating this variant is rare. At this time, the clinical significance of this variant is uncertain due to the absence of conclusive functional and genetic evidence.